The following is an entry in ClinVar:

ClinVar aggregate classification (germline): Likely pathogenic (1 of 4 stars; one submission).

Conditions:
Methylcobalamin deficiency type cblE (HMAE). Also called: HOMOCYSTINURIA-MEGALOBLASTIC ANEMIA, cblE TYPE; HOMOCYSTINURIA-MEGALOBLASTIC ANEMIA, cblE COMPLEMENTATION TYPE; VITAMIN B12-RESPONSIVE HOMOCYSTINURIA, cblE TYPE. Identifiers: Orphanet 2169, Orphanet 622, MedGen C1856057, MONDO:0009354, OMIM 236270.

Submission:

Natera, Inc.
Classification: Likely pathogenic for CblE complementation type homocystinuria-megaloblastic anemia due to defect in cobalamin metabolism. Last evaluated: 2024-04-05. Review status: criteria provided, single submitter. Criteria: Natera Variant Classification Schema (03/2026). Collection method: clinical testing. Allele origin: germline.
Comment: The c.747_750delTTTA variant in MTRR is a frameshift variant predicted to shift the reading frame beginning at codon 250 and leads to a stop codon 17 codons downstream. This variant is expected to result in nonsense mediated decay, truncation, or a dysfunctional protein product. This variant is rare in the general population with a frequency below the threshold expected for the associated phenotype(s). Given the available evidence, this variant is classified as Likely Pathogenic.

NM_002454.3(MTRR):c.747_750del (p.Leu250fs)

Gene: MTRR (5-methyltetrahydrofolate-homocysteine methyltransferase reductase; plus strand). Cytogenetic location: 5p15.31.
Variant type: Deletion.
Coding change: c.747_750del on transcript NM_002454.3 (MANE Select); coding-DNA positions 747 to 750, 4 bases deleted (TTTA; older notation c.747_750delTTTA).
Protein change: p.Leu250fs; shifts the reading frame from leucine 250.
Molecular consequence: frameshift variant. On other transcripts: non-coding transcript variant (14).
Genome position (GRCh38, 1-based): chr5:7,878,289-7,878,292, TTTA deleted; deleting any 4 consecutive bases within chr5:7,878,287-7,878,292 gives the same sequence; the c. name uses the placement nearest the transcript's 3' end. VCF-style (leftmost placement, unchanged base first): chr5-7878286-ATATT-A. GRCh37 (hg19) VCF-style: chr5-7878399-ATATT-A.
Other names: c.747_750del, p.Leu250fs (NM_001364440.2, NM_001364441.2, NM_001364442.2 and 1 more transcripts); short protein forms L250fs.
Identifiers: ClinVar variation 4815064 (VCV004815064.1).